The following is an entry in ClinVar:

ClinVar aggregate classification (germline): Benign/Likely benign. Review status: criteria provided, multiple submitters, no conflicts (2 of 4 stars). 5 submissions from 5 submitters: Benign (1); Likely benign (4). Last evaluated 2026-02-03.

Conditions:
Familial sleep-related hypermotor epilepsy. Also called: Autosomal Dominant Sleep-Related Hypermotor (Hyperkinetic) Epilepsy. Identifiers: Orphanet 98784, MedGen C3696898, MONDO:0000030.
Inborn genetic diseases. Identifiers: MedGen C0950123, MeSH D030342.

Allele frequency attached by ClinVar (database versions not stated): ESP Exome Variant Server 0.00008; TOPMed 0.00014; 1000 Genomes Project 30x 0.00016; 1000 Genomes Project 0.00020; gnomAD 0.00020 and 0.00021; gnomAD exomes 0.00025 and 0.00031; ExAC 0.00033.
gnomAD v4.1: 481 of 1,599,282 alleles (0.03%); highest among the groups gnomAD compares: Non-Finnish European, 0.038%; 1 homozygote.

Submissions (5):

Labcorp Genetics (formerly Invitae), Labcorp
Classification: Likely benign. Last evaluated: 2026-02-03. Review status: criteria provided, single submitter. Criteria: Invitae Variant Classification Sherloc (09022015). Collection method: clinical testing. Allele origin: germline.

Blueprint Genetics
Classification: Likely benign. Last evaluated: 2024-11-13. Review status: criteria provided, single submitter. Criteria: ACMG Guidelines, 2015. Collection method: clinical testing. Allele origin: germline.

CeGaT Center for Human Genetics Tuebingen
Classification: Likely benign. Last evaluated: 2024-03-01. Review status: criteria provided, single submitter. Criteria: CeGaT Center For Human Genetics Tuebingen Variant Classification Criteria Version 2. Collection method: clinical testing. Allele origin: germline. Affected: yes. Observed: 3 variant alleles.
Comment: CHRNA4: BP4, BP7

Ambry Genetics
Classification: Likely benign for Inborn genetic diseases. Last evaluated: 2017-04-08. Review status: criteria provided, single submitter. Criteria: Ambry Variant Classification Scheme 2023. Collection method: clinical testing. Allele origin: germline.

GeneDx
Classification: Benign. Last evaluated: 2014-03-28. Review status: criteria provided, single submitter. Criteria: GeneDx Variant Classification (06012015). Collection method: clinical testing. Allele origin: germline. Affected: yes.
Comment: This variant is considered likely benign or benign based on one or more of the following criteria: it is a conservative change, it occurs at a poorly conserved position in the protein, it is predicted to be benign by multiple in silico algorithms, and/or has population frequency not consistent with disease.

NM_000744.7(CHRNA4):c.1584G>A (p.Pro528=)

Gene: CHRNA4 (cholinergic receptor nicotinic alpha 4 subunit; minus strand). Cytogenetic location: 20q13.33.
Variant type: single nucleotide variant.
Coding change: c.1584G>A on transcript NM_000744.7 (MANE Select); coding-DNA position 1584, G replaced by A.
Protein change: p.Pro528=; no amino-acid change (proline 528 retained).
Molecular consequence: synonymous variant. On other transcripts: non-coding transcript variant (1).
Genome position (GRCh38, 1-based): chr20:63,349,827, C>T on the plus strand (G>A on the coding strand, the complement: CHRNA4 is on the minus strand). VCF-style: chr20-63349827-C-T. GRCh37 (hg19) VCF-style: chr20-61981179-C-T.
Other names: p.P528P:CCG>CCA; c.1056G>A, p.Pro352= (NM_001256573.2).
Identifiers: ClinVar variation 136761 (VCV000136761.49), dbSNP rs199783192, ClinGen allele CA290087.